The following is an entry in ClinVar:

NM_017433.5(MYO3A):c.4438+4A>G

Gene: MYO3A (myosin IIIA; plus strand). Cytogenetic location: 10p12.1.
Variant type: single nucleotide variant.
Coding change: c.4438+4A>G on transcript NM_017433.5 (MANE Select); 4 bases into the intron after coding-DNA position 4438, A replaced by G.
Molecular consequence: intron variant.
Genome position (GRCh38, 1-based): chr10:26,176,849, A>G. VCF-style: chr10-26176849-A-G. GRCh37 (hg19) VCF-style: chr10-26465778-A-G.
Identifiers: ClinVar variation 228984 (VCV000228984.11), dbSNP rs756581092, ClinGen allele CA5445447.

ClinVar aggregate classification (germline): Uncertain significance. Review status: criteria provided, multiple submitters, no conflicts (2 of 4 stars). 5 submissions from 5 submitters: Uncertain significance (5). Last evaluated 2026-06-23.

Allele frequency attached by ClinVar (database versions not stated): ExAC 0.00002; gnomAD 0.00002; gnomAD exomes 0.00002 and 0.00003; TOPMed 0.00002.
gnomAD v4.1: 33 of 1,613,884 alleles (0.002%); highest among the groups gnomAD compares: Non-Finnish European, 0.0028%; no homozygotes.

Submissions (5):

GeneDx
Classification: Uncertain significance. Last evaluated: 2026-06-23. Review status: criteria provided, single submitter. Criteria: GeneDx Variant Classification Process June 2021. Collection method: clinical testing. Allele origin: germline.
Comment: In silico analysis supports a deleterious effect on splicing; Has not been previously published as pathogenic or benign to our knowledge

Women's Health and Genetics/Laboratory Corporation of America, LabCorp
Classification: Uncertain significance. Last evaluated: 2025-10-23. Review status: criteria provided, single submitter. Criteria: LabCorp Variant Classification Summary - May 2015. Collection method: clinical testing. Allele origin: germline.
Comment: Variant summary: MYO3A c.4438+4A>G alters a nucleotide located close to a canonical splice site and therefore could affect mRNA splicing, leading to a significantly altered protein sequence. Several computational tools predict a significant impact on normal splicing: Three predict the variant weakens a 5' donor site. However, these predictions have yet to be confirmed by functional studies. The variant allele was found at a frequency of 2.8e-05 in 251066 control chromosomes. The available data on variant occurrences in the general population are insufficient to allow any conclusion about variant significance. To our knowledge, no occurrence of c.4438+4A>G in individuals affected with MYO3A-related conditions and no experimental evidence demonstrating its impact on protein function have been reported. ClinVar contains an entry for this variant (Variation ID: 228984). Based on the evidence outlined above, the variant was classified as uncertain significance.

Blueprint Genetics
Classification: Uncertain significance. Last evaluated: 2024-10-01. Review status: criteria provided, single submitter. Criteria: ACMG Guidelines, 2015. Collection method: clinical testing. Allele origin: germline.

Labcorp Genetics (formerly Invitae), Labcorp
Classification: Uncertain significance. Last evaluated: 2023-12-11. Review status: criteria provided, single submitter. Criteria: Invitae Variant Classification Sherloc (09022015). Collection method: clinical testing. Allele origin: germline.
Comment: This sequence change falls in intron 31 of the MYO3A gene. It does not directly change the encoded amino acid sequence of the MYO3A protein. It affects a nucleotide within the consensus splice site. This variant is present in population databases (rs756581092, gnomAD 0.005%). This variant has not been reported in the literature in individuals affected with MYO3A-related conditions. ClinVar contains an entry for this variant (Variation ID: 228984). Variants that disrupt the consensus splice site are a relatively common cause of aberrant splicing (PMID: 17576681, 9536098). Algorithms developed to predict the effect of sequence changes on RNA splicing suggest that this variant may disrupt the consensus splice site. In summary, the available evidence is currently insufficient to determine the role of this variant in disease. Therefore, it has been classified as a Variant of Uncertain Significance.

Laboratory for Molecular Medicine, Mass General Brigham Personalized Medicine
Classification: Uncertain significance. Last evaluated: 2017-05-18. Review status: criteria provided, single submitter. Criteria: LMM Criteria. Collection method: clinical testing. Allele origin: germline. Observed: 3 variant alleles.
Comment: It has also been identified in 6/111362 Euro pean chromosomes by the Genome Aggregation Database (gnomAD; dbSNP rs756581092). Although this variant has been seen in the g eneral population, its frequency is not high enough to rule out a pathogenic rol e. This variant is located in the 5' splice region. Computational tools do not s uggest an impact to splicing. However, this information is not predictive enough to rule out pathogenicity. In summary, the clinical significance of the c.4438+ 4G>A variant is uncertain.

Literature cited by the submitters: PubMed 17576681 (cited by Labcorp Genetics (formerly Invitae), Labcorp); PubMed 9536098 (cited by Labcorp Genetics (formerly Invitae), Labcorp).